The following is an entry in ClinVar:

ClinVar aggregate classification (germline): Uncertain significance (1 of 4 stars; one submission).

Conditions:
BBS9-related disorder. Also called: BBS9-related condition.

gnomAD v4.1: 6 of 1,612,776 alleles (0.00037%); highest among the groups gnomAD compares: Non-Finnish European, 0.00042%; no homozygotes.

Submission:

PreventionGenetics, part of Exact Sciences
Classification: Uncertain significance for BBS9-related condition. Last evaluated: 2026-03-27. Review status: criteria provided, single submitter. Criteria: ACMG Guidelines, 2015. Collection method: clinical testing. Allele origin: germline.
Comment: The BBS9 c.2644C>T variant is predicted to result in the amino acid substitution p.Leu882Phe. To our knowledge, this variant has not been reported in the literature or in a large population database (gnomAD), indicating this variant is rare. At this time, the clinical significance of this variant is uncertain due to the absence of conclusive functional and genetic evidence.

NM_198428.3(BBS9):c.2644C>T (p.Leu882Phe)

Gene: BBS9 (Bardet-Biedl syndrome 9; plus strand). Cytogenetic location: 7p14.3.
Variant type: single nucleotide variant.
Coding change: c.2644C>T on transcript NM_198428.3 (MANE Select); coding-DNA position 2644, C replaced by T.
Protein change: p.Leu882Phe; replaces leucine 882 with phenylalanine.
Molecular consequence: missense variant. On other transcripts: non-coding transcript variant (3), intron variant (2).
Genome position (GRCh38, 1-based): chr7:33,605,206, C>T. VCF-style: chr7-33605206-C-T. GRCh37 (hg19) VCF-style: chr7-33644818-C-T.
Other names: c.2539C>T, p.Leu847Phe (NM_001033604.2); c.2629C>T, p.Leu877Phe (NM_001033605.2); c.2644C>T, p.Leu882Phe (NM_001348036.1); c.2095C>T, p.Leu699Phe (NM_001348037.3); c.2371C>T, p.Leu791Phe (NM_001348038.3); c.2266C>T, p.Leu756Phe (NM_001348039.3); c.2521C>T, p.Leu841Phe (NM_001348040.3); c.2509C>T, p.Leu837Phe (NM_001348042.3); and 6 more; short protein forms L699F, L725F, L841F, L842F, L791F, L881F, L882F, L760F.
Identifiers: ClinVar variation 4985003 (VCV004985003.1).